The following is an entry in ClinVar:

NM_004092.4(ECHS1):c.415-178C>T

Gene: ECHS1 (enoyl-CoA hydratase, short chain 1; minus strand). Cytogenetic location: 10q26.3.
Variant type: single nucleotide variant.
Coding change: c.415-178C>T on transcript NM_004092.4 (MANE Select); 178 bases into the intron before coding-DNA position 415, C replaced by T.
Molecular consequence: intron variant.
Genome position (GRCh38, 1-based): chr10:133,369,200, G>A on the plus strand (C>T on the coding strand, the complement: ECHS1 is on the minus strand). VCF-style: chr10-133369200-G-A. GRCh37 (hg19) VCF-style: chr10-135182704-G-A.
Identifiers: ClinVar variation 4819163 (VCV004819163.1).

ClinVar aggregate classification (germline): Uncertain significance (1 of 4 stars; one submission).

Conditions:
Mitochondrial short-chain Enoyl-Coa hydratase 1 deficiency. Also called: PxMD-ECHS1; Mitochondrial Short-Chain Enoyl-CoA Hydratase Deficiency; ECHS1 deficiency. Identifiers: Orphanet 255241, Orphanet 653880, MedGen C4225391, MONDO:0014563, OMIM 616277.

gnomAD v4.1: 28 of 152,182 alleles (0.018%); highest among the groups gnomAD compares: Non-Finnish European, 0.04%; no homozygotes.

Submission:

Institute of Human Genetics, University of Leipzig Medical Center
Classification: Uncertain significance for Mitochondrial short-chain Enoyl-Coa hydratase 1 deficiency. Last evaluated: 2026-02-25. Review status: criteria provided, single submitter. Criteria: ACMG Guidelines, 2015. Collection method: clinical testing. Allele origin: maternal. Inheritance: Autosomal recessive inheritance. Affected: yes.
Comment: Criteria applied: PM3,PM2